The following is an entry in ClinVar:

NM_006210.3(PEG3):c.4450G>A (p.Gly1484Ser)

Genes: PEG3 (paternally expressed 3; minus strand), ZIM2 (zinc finger imprinted 2; minus strand). Cytogenetic location: 19q13.43.
Variant type: single nucleotide variant.
Coding change: c.4450G>A on transcript NM_006210.3 (MANE Select); coding-DNA position 4450, G replaced by A.
Protein change: p.Gly1484Ser; replaces glycine 1484 with serine.
Molecular consequence: missense variant. On other transcripts: intron variant (11).
Genome position (GRCh38, 1-based): chr19:56,813,992, C>T on the plus strand (G>A on the coding strand, the complement: PEG3 is on the minus strand). VCF-style: chr19-56813992-C-T. GRCh37 (hg19) VCF-style: chr19-57325360-C-T.
Other names: NM_001146186.1:c.4450G>A; c.4450G>A, p.Gly1484Ser (NM_001146184.2); c.4072G>A, p.Gly1358Ser (NM_001146185.2); c.4078G>A, p.Gly1360Ser (NM_001146187.2, NM_001369720.1, NM_001369721.1 and 13 more transcripts); c.4456G>A, p.Gly1486Ser (NM_001369717.1, NM_001369718.1); c.4363G>A, p.Gly1455Ser (NM_001369719.1); c.3985G>A, p.Gly1329Ser (NM_001369734.1, NM_001369735.1, NM_001369736.1 and 2 more transcripts); c.397+4608G>A (NM_015363.5, NM_001387358.1, NM_001146326.2 and 5 more transcripts); and 1 more; short protein forms G1329S, G1358S, G1360S, G1455S, G1484S, G1486S.
Identifiers: ClinVar variation 3054889 (VCV003054889.2), dbSNP rs370125347, ClinGen allele CA9693045.
Genomic context (GRCh38, chr19:56,813,992, plus strand): 5'-ATGGTTCTTCTACCTGAATCTCTTGATCTTCACCTTCTTCTGGGTCTTCAATTCCCACAC[C>T]GTCAGGCTCGTCGGCATCTCCCTCTGGCTCTTCAGCTTTTCCCTCTGGCTCTTCAGCTCT-3'
Protein context (NP_006201.1, residues 1474-1494): EPEGDADEPD[Gly1484Ser]VGIEDPEEGE

ClinVar aggregate classification (germline): Likely benign (0 of 4 stars; one submission).

Conditions:
PEG3-related disorder. Also called: PEG3-related condition.

Allele frequency attached by ClinVar (database versions not stated): TOPMed 0.00004; gnomAD 0.00011; gnomAD exomes 0.00018; 1000 Genomes Project 30x 0.00031; 1000 Genomes Project 0.00040; ExAC 0.00052.
gnomAD v4.1: 290 of 1,614,062 alleles (0.018%); highest among the groups gnomAD compares: South Asian, 0.29%; 4 homozygotes.

Submission:

PreventionGenetics, part of Exact Sciences
Classification: Likely benign for PEG3-related condition. Last evaluated: 2022-12-01. Review status: no assertion criteria provided. Collection method: clinical testing. Allele origin: germline.
Comment: This variant is classified as likely benign based on ACMG/AMP sequence variant interpretation guidelines (Richards et al. 2015 PMID: 25741868, with internal and published modifications).